The following is an entry in ClinVar:

NM_001376.5(DYNC1H1):c.7145_7148dup (p.Ser2384fs)

Gene: DYNC1H1 (dynein cytoplasmic 1 heavy chain 1; plus strand). Cytogenetic location: 14q32.31.
Variant type: Duplication.
Coding change: c.7145_7148dup on transcript NM_001376.5 (MANE Select); coding-DNA positions 7145 to 7148, 4 bases duplicated (TGCG; older notation c.7145_7148dupTGCG).
Protein change: p.Ser2384fs; shifts the reading frame from serine 2384.
Molecular consequence: frameshift variant.
Genome position (GRCh38, 1-based): chr14:102,015,235-102,015,238, TGCG duplicated. VCF-style (leftmost placement, unchanged base first): chr14-102015234-C-CTGCG. GRCh37 (hg19) VCF-style: chr14-102481571-C-CTGCG.
Other names: short protein forms S2384fs.
Identifiers: ClinVar variation 1320210 (VCV001320210.1), dbSNP rs2152581547, ClinGen allele CA2573053848.
Genomic context (GRCh38, chr14:102,015,234, plus strand): 5'-GTCTGGTTCAGTGAGGATGTGCTGAGCACCGACATGATCTTCAACAACTTCCTGGCCAGG[C>CTGCG]TGCGCAGCATCCCGCTGGATGAAGGGGAGGATGAGGCACAGCGGCGGCGTAAGGGCAAAG-3'

ClinVar aggregate classification (germline): Likely pathogenic (1 of 4 stars; one submission).

Conditions:
Cortical dysplasia, complex, with other brain malformations 13. Also called: Intellectual disability, autosomal dominant 13. Identifiers: MedGen C3281202, MONDO:0013805, OMIM 614563.

Submission:

3billion
Classification: Likely pathogenic for Cortical dysplasia, complex, with other brain malformations 13. Last evaluated: 2021-10-02. Review status: criteria provided, single submitter. Criteria: ACMG Guidelines, 2015. Collection method: clinical testing. Allele origin: unknown. Affected: yes. Observed: 1 heterozygote.
Comment: Frameshift: predicted to result in a loss or disruption of normal protein function through nonsense-mediated decay (NMD) or protein truncation. Multiple pathogenic variants are reported downstream of the variant (PVS1_VS). It is not observed in the gnomAD v2.1.1 dataset (PM2). Therefore, this variant is classified as likely pathogenic according to the recommendation of ACMG/AMP guideline.